The following is an entry in ClinVar:

ClinVar aggregate classification (germline): Uncertain significance (1 of 4 stars; one submission).

gnomAD v4.1: 14 of 1,613,904 alleles (0.00087%); highest among the groups gnomAD compares: Middle Eastern, 0.05%; no homozygotes.

Submission:

Women's Health and Genetics/Laboratory Corporation of America, LabCorp
Classification: Uncertain significance. Last evaluated: 2024-06-10. Review status: criteria provided, single submitter. Criteria: LabCorp Variant Classification Summary - May 2015. Collection method: clinical testing. Allele origin: germline.
Comment: Variant summary: ABCA12 c.7222C>T (p.Pro2408Ser) results in a non-conservative amino acid change located in the ABC transporter-like, ATP-binding domain (IPR003439) of the encoded protein sequence. Four of five in-silico tools predict a damaging effect of the variant on protein function. The variant allele was found at a frequency of 4e-06 in 251270 control chromosomes. The available data on variant occurrences in the general population are insufficient to allow any conclusion about variant significance. c.7222C>T has been reported in the literature in double homozygosity with another rare variant in at least 1 individual affected with harlequin icythosis (example, Hotz_2023), however the impact of this variant could not be disambiguated. These report(s) do not provide unequivocal conclusions about association of the variant with ABCA12-related conditions. To our knowledge, no experimental evidence demonstrating an impact on protein function has been reported. The following publication has been ascertained in the context of this evaluation (PMID: 36980989). No submitters have cited clinical-significance assessments for this variant to ClinVar. Based on the evidence outlined above, the variant was classified as uncertain significance.

Literature cited by the submitters: PubMed 36980989.

NM_173076.3(ABCA12):c.7222C>T (p.Pro2408Ser)

Genes: ABCA12 (ATP binding cassette subfamily A member 12; minus strand), SNHG31 (small nucleolar RNA host gene 31; plus strand). Cytogenetic location: 2q35.
Variant type: single nucleotide variant.
Coding change: c.7222C>T on transcript NM_173076.3 (MANE Select); coding-DNA position 7222, C replaced by T.
Protein change: p.Pro2408Ser; replaces proline 2408 with serine.
Molecular consequence: missense variant. On other transcripts: non-coding transcript variant (1).
Genome position (GRCh38, 1-based): chr2:214,947,439, G>A on the plus strand (C>T on the coding strand, the complement: ABCA12 is on the minus strand). VCF-style: chr2-214947439-G-A. GRCh37 (hg19) VCF-style: chr2-215812163-G-A.
Other names: c.6268C>T, p.Pro2090Ser (NM_015657.4); short protein forms P2090S, P2408S.
Identifiers: ClinVar variation 3339633 (VCV003339633.1).